The following is an entry in ClinVar:

ClinVar aggregate classification (germline): Conflicting classifications of pathogenicity. Review status: criteria provided, conflicting classifications (1 of 4 stars). 4 submissions from 4 submitters: Uncertain significance (3); Likely benign (1). Last evaluated 2025-01-13.

Conditions:
Cardiomyopathy (CMYO). Also called: Cardiomyopathies. Identifiers: Orphanet 167848, MedGen C0878544, MONDO:0004994, HP:0001638. Inheritance: Various modes of inheritance.
Arrhythmogenic cardiomyopathy with wooly hair and keratoderma. Also called: Arrhythmogenic cardiomyopathy with woolly hair and keratoderma; Carvajal syndrome; PALMOPLANTAR KERATODERMA WITH LEFT VENTRICULAR CARDIOMYOPATHY AND WOOLLY HAIR; Dilated cardiomyopathy with woolly hair and keratoderma. Identifiers: Orphanet 65282, MedGen C1854063, MONDO:0011581, OMIM 605676.
Cardiovascular phenotype. Identifiers: MedGen CN230736.

Allele frequency attached by ClinVar (database versions not stated): gnomAD exomes below 0.00001 and 0.00001.
gnomAD v4.1: 20 of 1,614,068 alleles (0.0012%); highest among the groups gnomAD compares: Non-Finnish European, 0.0017%; no homozygotes.

Submissions (4):

Ambry Genetics
Classification: Likely benign for Cardiovascular phenotype. Last evaluated: 2025-01-13. Review status: criteria provided, single submitter. Criteria: Ambry Variant Classification Scheme 2023. Collection method: clinical testing. Allele origin: germline.

All of Us Research Program, National Institutes of Health
Classification: Uncertain significance for Arrhythmogenic cardiomyopathy with wooly hair and keratoderma. Last evaluated: 2024-03-24. Review status: criteria provided, single submitter. Criteria: ACMG Guidelines, 2015. Collection method: clinical testing. Allele origin: germline. Inheritance: Autosomal dominant inheritance. Observed: 2 variant alleles, 2 heterozygotes.
Comment: This missense variant replaces lysine with asparagine at codon 2450 of the DSP protein. Computational prediction suggests that this variant may not impact protein structure and function (internally defined REVEL score threshold <= 0.5, PMID: 27666373). To our knowledge, functional studies have not been reported for this variant. This variant has been reported in one individual affected with hypertrophic cardiomyopathy (PMID: 25351510). This variant has been identified in 1/251198 chromosomes in the general population by the Genome Aggregation Database (gnomAD). The available evidence is insufficient to determine the role of this variant in disease conclusively. Therefore, this variant is classified as a Variant of Uncertain Significance.

This study involves interpretation of variants in research participants for the purpose of population health screening. Participant phenotype was not available at the time of variant classification. Additional details can be found in publication PMID: 35346344, PMCID: PMC8962531

CeGaT Center for Human Genetics Tuebingen
Classification: Uncertain significance. Last evaluated: 2023-12-01. Review status: criteria provided, single submitter. Criteria: CeGaT Center For Human Genetics Tuebingen Variant Classification Criteria Version 2. Collection method: clinical testing. Allele origin: germline. Affected: yes. Observed: 1 variant allele.
Comment: DSP: PM2, BP4

Color Diagnostics, LLC DBA Color Health
Classification: Uncertain significance for Cardiomyopathy. Last evaluated: 2023-06-23. Review status: criteria provided, single submitter. Criteria: ACMG Guidelines, 2015. Collection method: clinical testing. Allele origin: germline.
Comment: This missense variant replaces lysine with asparagine at codon 2450 of the DSP protein. Computational prediction suggests that this variant may not impact protein structure and function (internally defined REVEL score threshold <= 0.5, PMID: 27666373). To our knowledge, functional studies have not been reported for this variant. This variant has been reported in one individual affected with hypertrophic cardiomyopathy (PMID: 25351510). This variant has been identified in 1/251198 chromosomes in the general population by the Genome Aggregation Database (gnomAD). The available evidence is insufficient to determine the role of this variant in disease conclusively. Therefore, this variant is classified as a Variant of Uncertain Significance.

Literature cited by the submitters: PubMed 25351510 (cited by 3 submitters).

NM_004415.4(DSP):c.7350G>C (p.Lys2450Asn)

Gene: DSP (desmoplakin; plus strand). Cytogenetic location: 6p24.3.
Variant type: single nucleotide variant.
Coding change: c.7350G>C on transcript NM_004415.4 (MANE Select); coding-DNA position 7350, G replaced by C.
Protein change: p.Lys2450Asn; replaces lysine 2450 with asparagine.
Molecular consequence: missense variant.
Genome position (GRCh38, 1-based): chr6:7,584,612, G>C. VCF-style: chr6-7584612-G-C. GRCh37 (hg19) VCF-style: chr6-7584845-G-C.
Other names: c.5553G>C, p.Lys1851Asn (NM_001008844.3); c.6021G>C, p.Lys2007Asn (NM_001319034.2); short protein forms K1851N, K2007N, K2450N.
Identifiers: ClinVar variation 921379 (VCV000921379.30), dbSNP rs1561703628, ClinGen allele CA362692806.